The following is an entry in ClinVar:

ClinVar aggregate classification (germline): Uncertain significance (1 of 4 stars; one submission).

Conditions:
Neurofibromatosis, type 1 (NF1). Also called: VON RECKLINGHAUSEN DISEASE; Peripheral type neurofibromatosis; NEUROFIBROMATOSIS, TYPE I, SOMATIC; Neurofibromatosis, type I. Identifiers: Orphanet 636, MedGen C0027831, MONDO:0018975, OMIM 162200. Disease mechanism: loss of function.

Submission:

Labcorp Genetics (formerly Invitae), Labcorp
Classification: Uncertain significance for Neurofibromatosis, type 1. Last evaluated: 2024-04-29. Review status: criteria provided, single submitter. Criteria: Invitae Variant Classification Sherloc (09022015). Collection method: clinical testing. Allele origin: germline.
Comment: This sequence change replaces lysine, which is basic and polar, with glutamic acid, which is acidic and polar, at codon 2815 of the NF1 protein (p.Lys2815Glu). This variant is not present in population databases (gnomAD no frequency). This variant has not been reported in the literature in individuals affected with NF1-related conditions. Advanced modeling of protein sequence and biophysical properties (such as structural, functional, and spatial information, amino acid conservation, physicochemical variation, residue mobility, and thermodynamic stability) has been performed at Invitae for this missense variant, however the output from this modeling did not meet the statistical confidence thresholds required to predict the impact of this variant on NF1 protein function. In summary, the available evidence is currently insufficient to determine the role of this variant in disease. Therefore, it has been classified as a Variant of Uncertain Significance.

NM_001042492.3(NF1):c.8506A>G (p.Lys2836Glu)

Gene: NF1 (neurofibromin 1; plus strand). Cytogenetic location: 17q11.2.
Variant type: single nucleotide variant.
Coding change: c.8506A>G on transcript NM_001042492.3 (MANE Select); coding-DNA position 8506, A replaced by G.
Protein change: p.Lys2836Glu; replaces lysine 2836 with glutamic acid.
Molecular consequence: missense variant.
Genome position (GRCh38, 1-based): chr17:31,374,141, A>G. VCF-style: chr17-31374141-A-G. GRCh37 (hg19) VCF-style: chr17-29701159-A-G.
Other names: c.8443A>G, p.Lys2815Glu (NM_000267.4); short protein forms K2815E, K2836E.
Identifiers: ClinVar variation 3634622 (VCV003634622.2).